The following is an entry in ClinVar:

NM_000152.5(GAA):c.1327-356G>T

Gene: GAA (alpha glucosidase; plus strand). Cytogenetic location: 17q25.3.
Variant type: single nucleotide variant.
Coding change: c.1327-356G>T on transcript NM_000152.5 (MANE Select); 356 bases into the intron before coding-DNA position 1327, G replaced by T.
Molecular consequence: intron variant.
Genome position (GRCh38, 1-based): chr17:80,109,589, G>T. VCF-style: chr17-80109589-G-T. GRCh37 (hg19) VCF-style: chr17-78083388-G-T.
Other names: c.1327-356G>T (NM_001406741.1, NM_001406742.1, NM_001079803.3 and 1 more transcripts).
Identifiers: ClinVar variation 4876612 (VCV004876612.1).

ClinVar aggregate classification (germline): Benign (1 of 4 stars; one submission).

Conditions:
Glycogen storage disease, type II (IOPD). Also called: Pompe Disease; CARDIOMEGALIA GLYCOGENICA DIFFUSA; GLYCOGENOSIS, GENERALIZED, CARDIAC FORM; GSD II; POMPE DISEASE, INFANTILE-ONSET; GLYCOGEN STORAGE DISEASE II, INFANTILE-ONSET. Identifiers: Orphanet 365, MedGen C0017921, MONDO:0009290, OMIM 232300.

gnomAD v4.1: 109,586 of 152,180 alleles (72%); highest among the groups gnomAD compares: Middle Eastern, 86%; 39,766 homozygotes.

Submission:

Genomenon, Inc
Classification: Benign for Glycogen storage disease, type II. Last evaluated: 2026-07-01. Review status: criteria provided, single submitter. Criteria: Genomenon Sequence Variant Interpretation Standards - Updated. Collection method: curation. Allele origin: germline. Affected: no.
Comment: GAA c.1327-356G>T is an intronic variant located in intron 8. This variant is present at high allele frequency in population databases. We classify GAA c.1327-356G>T as a benign variant.